The following is an entry in ClinVar:

ClinVar aggregate classification (germline): Uncertain significance. Review status: criteria provided, multiple submitters, no conflicts (2 of 4 stars). 2 submissions from 2 submitters: Uncertain significance (2). Last evaluated 2024-08-27.

Conditions:
Inborn genetic diseases. Identifiers: MedGen C0950123, MeSH D030342.
Muscular dystrophy-dystroglycanopathy (congenital with brain and eye anomalies), type a, 11 (MDDGA11). Also called: WALKER-WARBURG SYNDROME OR MUSCLE-EYE-BRAIN DISEASE, B3GALNT2-RELATED; Congenital muscular dystrophy-dystroglycanopathy with brain and eye anomalies, type A11; Muscular dystrophy-dystroglycanopathy (congenital with brain and eye anomalies, type A, 11. Identifiers: Orphanet 588, Orphanet 899, MedGen C3554638, MONDO:0014071, OMIM 615181.

Allele frequency attached by ClinVar (database versions not stated): gnomAD exomes 0.00001 and 0.00002; ExAC 0.00002; TOPMed 0.00009; gnomAD 0.00010 and 0.00011; 1000 Genomes Project 0.00020; 1000 Genomes Project 30x 0.00031.

Submissions (2):

Ambry Genetics
Classification: Uncertain significance for Inborn genetic diseases. Last evaluated: 2024-08-27. Review status: criteria provided, single submitter. Criteria: Ambry Variant Classification Scheme 2023. Collection method: clinical testing. Allele origin: germline.

Labcorp Genetics (formerly Invitae), Labcorp
Classification: Uncertain significance for Muscular dystrophy-dystroglycanopathy (congenital with brain and eye anomalies), type a, 11. Last evaluated: 2023-12-31. Review status: criteria provided, single submitter. Criteria: Invitae Variant Classification Sherloc (09022015). Collection method: clinical testing. Allele origin: germline.
Comment: This sequence change replaces proline, which is neutral and non-polar, with leucine, which is neutral and non-polar, at codon 405 of the B3GALNT2 protein (p.Pro405Leu). This variant is present in population databases (rs554797006, gnomAD 0.03%). This variant has not been reported in the literature in individuals affected with B3GALNT2-related conditions. ClinVar contains an entry for this variant (Variation ID: 655913). Advanced modeling of protein sequence and biophysical properties (such as structural, functional, and spatial information, amino acid conservation, physicochemical variation, residue mobility, and thermodynamic stability) performed at Invitae indicates that this missense variant is not expected to disrupt B3GALNT2 protein function with a negative predictive value of 80%. In summary, the available evidence is currently insufficient to determine the role of this variant in disease. Therefore, it has been classified as a Variant of Uncertain Significance.

NM_152490.5(B3GALNT2):c.1214C>T (p.Pro405Leu)

Gene: B3GALNT2 (beta-1,3-N-acetylgalactosaminyltransferase 2; minus strand). Cytogenetic location: 1q42.3.
Variant type: single nucleotide variant.
Coding change: c.1214C>T on transcript NM_152490.5 (MANE Select); coding-DNA position 1214, C replaced by T.
Protein change: p.Pro405Leu; replaces proline 405 with leucine.
Molecular consequence: missense variant.
Genome position (GRCh38, 1-based): chr1:235,454,253, G>A on the plus strand (C>T on the coding strand, the complement: B3GALNT2 is on the minus strand). VCF-style: chr1-235454253-G-A. GRCh37 (hg19) VCF-style: chr1-235617565-G-A.
Other names: c.1214C>T (NM_152490.2); short protein forms P405L.
Identifiers: ClinVar variation 655913 (VCV000655913.7), dbSNP rs554797006, ClinGen allele CA1464652.